The following is an entry in ClinVar:

NM_024876.4(COQ8B):c.1430G>A (p.Arg477Gln)

Gene: COQ8B (coenzyme Q8B; minus strand). Cytogenetic location: 19q13.2.
Variant type: single nucleotide variant.
Coding change: c.1430G>A on transcript NM_024876.4 (MANE Select); coding-DNA position 1430, G replaced by A.
Protein change: p.Arg477Gln; replaces arginine 477 with glutamine.
Molecular consequence: missense variant.
Genome position (GRCh38, 1-based): chr19:40,692,240, C>T on the plus strand (G>A on the coding strand, the complement: COQ8B is on the minus strand). VCF-style: chr19-40692240-C-T. GRCh37 (hg19) VCF-style: chr19-41198145-C-T.
Other names: c.1307G>A, p.Arg436Gln (NM_001142555.3); short protein forms R477Q, R436Q.
Identifiers: ClinVar variation 375337 (VCV000375337.47), dbSNP rs1057519347, ClinGen allele CA16044193.

ClinVar aggregate classification (germline): Pathogenic/Likely pathogenic. Review status: criteria provided, multiple submitters, no conflicts (2 of 4 stars). 7 submissions from 7 submitters: Pathogenic (3); Likely pathogenic (3). 1 of the submissions does not count toward it. Last evaluated 2025-12-15.

Conditions:
Nephrotic syndrome, type 9 (NPHS9). Identifiers: Orphanet 656, MedGen C3809965, MONDO:0014257, OMIM 615573.

Allele frequency attached by ClinVar (database versions not stated): TOPMed 0.00001; gnomAD exomes below 0.00001 and 0.00001.
gnomAD v4.1: 21 of 1,611,064 alleles (0.0013%); highest among the groups gnomAD compares: Non-Finnish European, 0.0016%; no homozygotes.

Submissions (7):

3billion
Classification: Pathogenic for Nephrotic syndrome, type 9. Last evaluated: 2025-12-15. Review status: criteria provided, single submitter. Criteria: ACMG Guidelines, 2015. Collection method: clinical testing. Allele origin: germline. Affected: yes.
Comment: The variant is observed at an extremely low frequency in the gnomAD v4.1.0 dataset (total allele frequency: 0.001%). Predicted Consequence/Location: Missense variant In silico tool predictions suggest damaging effect of the variant on gene or gene product [REVEL: 0.90 (>=0.6, sensitivity 0.68 and specificity 0.92); 3Cnet: 0.92 (> 0.75, sensitivity 0.96 and precision 0.92)]. The same nucleotide change resulting in the same amino acid change has been previously reported as pathogenic/likely pathogenic with strong evidence (ClinVar ID: VCV000375337 /PMID: 24270420 /3billion dataset). The variant has been reported to be in trans with a pathogenic variant as either compound heterozygous or homozygous in at least one similarly affected unrelated individual (PMID: 24270420). The variant has been reported to co-segregate with the disease in at least one similarly affected relative/individual in the same family or similarly affected unrelated families (PMID: 24270420). Therefore, this variant is classified as Pathogenic according to the recommendation of ACMG/AMP guideline.

Labcorp Genetics (formerly Invitae), Labcorp
Classification: Pathogenic. Last evaluated: 2025-01-13. Review status: criteria provided, single submitter. Criteria: Invitae Variant Classification Sherloc (09022015). Collection method: clinical testing. Allele origin: germline.
Comment: This sequence change replaces arginine, which is basic and polar, with glutamine, which is neutral and polar, at codon 477 of the COQ8B protein (p.Arg477Gln). The frequency data for this variant in the population databases is considered unreliable, as metrics indicate poor data quality at this position in the gnomAD database. This missense change has been observed in individual(s) with steroid-resistant nephrotic syndrome (PMID: 24270420, 28337616, 35483523). In at least one individual the data is consistent with being in trans (on the opposite chromosome) from a pathogenic variant. It has also been observed to segregate with disease in related individuals. ClinVar contains an entry for this variant (Variation ID: 375337). Invitae Evidence Modeling of protein sequence and biophysical properties (such as structural, functional, and spatial information, amino acid conservation, physicochemical variation, residue mobility, and thermodynamic stability) indicates that this missense variant is expected to disrupt COQ8B protein function with a positive predictive value of 80%. For these reasons, this variant has been classified as Pathogenic.

Revvity Omics, Revvity
Classification: Likely pathogenic for Nephrotic syndrome, type 9. Last evaluated: 2024-11-07. Review status: criteria provided, single submitter. Criteria: ACMG Guidelines, 2015. Collection method: clinical testing. Allele origin: germline.

GeneDx
Classification: Likely pathogenic. Last evaluated: 2024-03-05. Review status: criteria provided, single submitter. Criteria: GeneDx Variant Classification Process June 2021. Collection method: clinical testing. Allele origin: germline. Affected: yes.
Comment: In silico analysis supports that this missense variant has a deleterious effect on protein structure/function; Not observed at significant frequency in large population cohorts (gnomAD); This variant is associated with the following publications: (PMID: 28125198, 29194833, 34426522, 33677064, 34638552, 38256023, 28337616, 35483523, 24270420)

CeGaT Center for Human Genetics Tuebingen
Classification: Pathogenic. Last evaluated: 2018-09-01. Review status: criteria provided, single submitter. Criteria: CeGaT Center For Human Genetics Tuebingen Variant Classification Criteria Version 2. Collection method: clinical testing. Allele origin: germline. Affected: yes. Observed: 1 variant allele.

Precision Medicine Center, Zhengzhou University
Classification: Likely pathogenic for Nephrotic syndrome, type 9. Review status: criteria provided, single submitter. Criteria: ACMG Guidelines, 2015. Collection method: research. Allele origin: germline. Affected: yes.
Comment: PM2:at extremely low frequency in gnomAD PM3:Pathogenic mutation confirmed in trans PP1:Cosegregation with disease in multiple affected family members PP3:Multiple lines of computational evidence support a deleterious effect on the gene or gene product

GeneReviews
No classification provided. Condition: Nephrotic syndrome, type 9. Review status: no classification provided. Collection method: literature only. Allele origin: germline. Not counted in ClinVar's aggregate classification.

Literature cited by the submitters: PubMed 24270420 (cited by 3 submitters); PubMed 28337616 (cited by Labcorp Genetics (formerly Invitae), Labcorp); PubMed 35483523 (cited by Labcorp Genetics (formerly Invitae), Labcorp); NCBI Bookshelf NBK410087 (cited by GeneReviews).